The following is an entry in ClinVar:

ClinVar aggregate classification (germline): Uncertain significance (1 of 4 stars; one submission).

Submission:

GeneDx
Classification: Uncertain significance. Last evaluated: 2019-12-31. Review status: criteria provided, single submitter. Criteria: GeneDx Variant Classification Process June 2021. Collection method: clinical testing. Allele origin: germline. Affected: yes.
Comment: Not observed in large population cohorts (Lek et al., 2016); In silico analysis, which includes protein predictors and evolutionary conservation, supports that this variant does not alter protein structure/function; Has not been previously published as pathogenic or benign to our knowledge

NM_020338.4(ZMIZ1):c.2573T>C (p.Val858Ala)

Gene: ZMIZ1 (zinc finger MIZ-type containing 1; plus strand). Cytogenetic location: 10q22.3.
Variant type: single nucleotide variant.
Coding change: c.2573T>C on transcript NM_020338.4 (MANE Select); coding-DNA position 2573, T replaced by C.
Protein change: p.Val858Ala; replaces valine 858 with alanine.
Molecular consequence: missense variant.
Genome position (GRCh38, 1-based): chr10:79,306,249, T>C. VCF-style: chr10-79306249-T-C. GRCh37 (hg19) VCF-style: chr10-81066006-T-C.
Other names: short protein forms V858A.
Identifiers: ClinVar variation 1311779 (VCV001311779.2), dbSNP rs2132088442, ClinGen allele CA377342719.